The following is an entry in ClinVar:

ClinVar aggregate classification (germline): Uncertain significance (1 of 4 stars; one submission).

Conditions:
Dilated cardiomyopathy 1G (CMD1G). Identifiers: Orphanet 154, MedGen C1858763, MONDO:0011400, OMIM 604145.
Autosomal recessive limb-girdle muscular dystrophy type 2J (LGMDR10). Also called: Limb-girdle muscular dystrophy, type 2J; MUSCULAR DYSTROPHY, LIMB-GIRDLE, AUTOSOMAL RECESSIVE 10. Identifiers: Orphanet 140922, MedGen C1837342, MONDO:0012127, OMIM 608807.

Submission:

Labcorp Genetics (formerly Invitae), Labcorp
Classification: Uncertain significance for Dilated cardiomyopathy 1G; Autosomal recessive limb-girdle muscular dystrophy type 2J. Last evaluated: 2023-07-25. Review status: criteria provided, single submitter. Criteria: Invitae Variant Classification Sherloc (09022015). Collection method: clinical testing. Allele origin: germline.
Comment: This variant is located in the M band of TTN (PMID: 25589632). Variants in this region may be relevant for neuromuscular disorders, but have not been definitively shown to cause cardiomyopathy (PMID: 23975875). This sequence change replaces isoleucine, which is neutral and non-polar, with methionine, which is neutral and non-polar, at codon 35937 of the TTN protein (p.Ile35937Met). This variant is not present in population databases (gnomAD no frequency). This variant has not been reported in the literature in individuals affected with TTN-related conditions. Experimental studies and prediction algorithms are not available or were not evaluated, and the functional significance of this variant is currently unknown. In summary, the available evidence is currently insufficient to determine the role of this variant in disease. Therefore, it has been classified as a Variant of Uncertain Significance.

Literature cited by the submitters: PubMed 25589632; PubMed 23975875.

NM_001267550.2(TTN):c.107811C>G (p.Ile35937Met)

Genes: TTN (titin; minus strand), TTN-AS1 (TTN antisense RNA 1; plus strand). Cytogenetic location: 2q31.2.
Variant type: single nucleotide variant.
Coding change: c.107811C>G on transcript NM_001267550.2 (MANE Select); coding-DNA position 107811, C replaced by G.
Protein change: p.Ile35937Met; replaces isoleucine 35937 with methionine.
Molecular consequence: missense variant.
Genome position (GRCh38, 1-based): chr2:178,527,177, G>C on the plus strand (C>G on the coding strand, the complement: TTN is on the minus strand). VCF-style: chr2-178527177-G-C. GRCh37 (hg19) VCF-style: chr2-179391904-G-C.
Other names: c.102888C>G, p.Ile34296Met (NM_001256850.1); c.80616C>G, p.Ile26872Met (NM_003319.4); c.100107C>G, p.Ile33369Met (NM_133378.4); c.80991C>G, p.Ile26997Met (NM_133432.3); c.81192C>G, p.Ile27064Met (NM_133437.4); short protein forms I34296M, I26872M, I33369M, I26997M, I27064M, I35937M.
Identifiers: ClinVar variation 2950246 (VCV002950246.3), dbSNP rs2154129892, ClinGen allele CA349398900.